The following is an entry in ClinVar:

NM_001395656.1(ROBO2):c.1634C>T (p.Ser545Phe)

Gene: ROBO2 (roundabout guidance receptor 2; plus strand). Cytogenetic location: 3p12.3.
Variant type: single nucleotide variant.
Coding change: c.1634C>T on transcript NM_001395656.1 (MANE Select); coding-DNA position 1634, C replaced by T.
Protein change: p.Ser545Phe; replaces serine 545 with phenylalanine.
Molecular consequence: missense variant. On other transcripts: 5 prime UTR variant (1).
Genome position (GRCh38, 1-based): chr3:77,563,269, C>T. VCF-style: chr3-77563269-C-T. GRCh37 (hg19) VCF-style: chr3-77612420-C-T.
Other names: c.1670C>T, p.Ser557Phe (NM_001128929.3); c.1634C>T, p.Ser545Phe (NM_001290039.2, NM_001290040.2, NM_001378202.1); c.-297C>T (NM_001290065.2); c.1682C>T, p.Ser561Phe (NM_001378190.1, NM_001378191.1, NM_001378195.1 and 4 more transcripts); c.1703C>T, p.Ser568Phe (NM_001378192.1, NM_001378194.1, NM_001378198.1 and 2 more transcripts); c.1622C>T, p.Ser541Phe (NM_001378193.1, NM_001378197.1, NM_002942.5); c.1691C>T, p.Ser564Phe (NM_001394212.1, NM_001394214.1, NM_001395657.1); short protein forms S564F, S545F, S557F, S561F, S568F, S541F.
Identifiers: ClinVar variation 3434706 (VCV003434706.4).

ClinVar aggregate classification (germline): Uncertain significance. Review status: criteria provided, multiple submitters, no conflicts (2 of 4 stars). 3 submissions from 3 submitters: Uncertain significance (3). Last evaluated 2024-12-04.

Conditions:
Inborn genetic diseases. Identifiers: MedGen C0950123, MeSH D030342.
Vesicoureteral reflux 2 (VUR2). Identifiers: Orphanet 289365, MedGen C1970483, MONDO:0012573, OMIM 610878.

gnomAD v4.1: 15 of 1,613,702 alleles (0.00093%); highest among the groups gnomAD compares: Non-Finnish European, 0.0013%; no homozygotes.

Submissions (3):

Ambry Genetics
Classification: Uncertain significance for Inborn genetic diseases. Last evaluated: 2024-12-04. Review status: criteria provided, single submitter. Criteria: Ambry Variant Classification Scheme 2023. Collection method: clinical testing. Allele origin: germline.

Labcorp Genetics (formerly Invitae), Labcorp
Classification: Uncertain significance. Last evaluated: 2024-09-08. Review status: criteria provided, single submitter. Criteria: Invitae Variant Classification Sherloc (09022015). Collection method: clinical testing. Allele origin: germline.
Comment: This sequence change replaces serine, which is neutral and polar, with phenylalanine, which is neutral and non-polar, at codon 541 of the ROBO2 protein (p.Ser541Phe). This variant is present in population databases (rs775505696, gnomAD 0.004%). This variant has not been reported in the literature in individuals affected with ROBO2-related conditions. Invitae Evidence Modeling of protein sequence and biophysical properties (such as structural, functional, and spatial information, amino acid conservation, physicochemical variation, residue mobility, and thermodynamic stability) indicates that this missense variant is not expected to disrupt ROBO2 protein function with a negative predictive value of 95%. In summary, the available evidence is currently insufficient to determine the role of this variant in disease. Therefore, it has been classified as a Variant of Uncertain Significance.

Fulgent Genetics
Classification: Uncertain significance for Vesicoureteral reflux 2. Last evaluated: 2024-02-06. Review status: criteria provided, single submitter. Criteria: ACMG Guidelines, 2015. Collection method: clinical testing. Allele origin: germline.